The following is an entry in ClinVar:

NM_001349338.3(FOXP1):c.1437C>T (p.Leu479=)

Genes: FOXP1 (forkhead box P1; minus strand), LOC126806714 (BRD4-independent group 4 enhancer GRCh37_chr3:71025197-71026396; plus strand). Cytogenetic location: 3p13.
Variant type: single nucleotide variant.
Coding change: c.1437C>T on transcript NM_001349338.3 (MANE Select); coding-DNA position 1437, C replaced by T.
Protein change: p.Leu479=; no amino-acid change (leucine 479 retained).
Molecular consequence: synonymous variant. On other transcripts: non-coding transcript variant (2).
Genome position (GRCh38, 1-based): chr3:70,977,034, G>A on the plus strand (C>T on the coding strand, the complement: FOXP1 is on the minus strand). VCF-style: chr3-70977034-G-A. GRCh37 (hg19) VCF-style: chr3-71026185-G-A.
Other names: c.1434C>T, p.Leu478= (NM_001244808.3, NM_001349341.3); c.1437C>T, p.Leu479= (NM_001244810.2, NM_001244814.3, NM_001244816.2 and 3 more transcripts); c.1209C>T, p.Leu403= (NM_001244812.3); c.1137C>T, p.Leu379= (NM_001244813.3, NM_001244815.2, NM_001349342.3); c.1134C>T, p.Leu378= (NM_001349337.2, NM_001349343.3, NM_001349344.3 and 1 more transcripts).
Identifiers: ClinVar variation 2168662 (VCV002168662.6), dbSNP rs191080383, ClinGen allele CA2490966.

ClinVar aggregate classification (germline): Likely benign. Review status: criteria provided, multiple submitters, no conflicts (2 of 4 stars). 2 submissions from 2 submitters: Likely benign (2). Last evaluated 2026-04-01.

Allele frequency attached by ClinVar (database versions not stated): gnomAD 0.00001; TOPMed 0.00002; ExAC 0.00003; 1000 Genomes Project 30x 0.00016; 1000 Genomes Project 0.00020.
gnomAD v4.1: 16 of 1,610,148 alleles (0.00099%); highest among the groups gnomAD compares: East Asian, 0.022%; no homozygotes.

Submissions (2):

CeGaT Center for Human Genetics Tuebingen
Classification: Likely benign. Last evaluated: 2026-04-01. Review status: criteria provided, single submitter. Criteria: CeGaT Center For Human Genetics Tuebingen Variant Classification Criteria Version 2. Collection method: clinical testing. Allele origin: germline. Affected: yes. Observed: 1 variant allele.
Comment: FOXP1: BP4, BP7

Labcorp Genetics (formerly Invitae), Labcorp
Classification: Likely benign. Last evaluated: 2025-11-14. Review status: criteria provided, single submitter. Criteria: Invitae Variant Classification Sherloc (09022015). Collection method: clinical testing. Allele origin: germline.